The following is an entry in ClinVar:

NM_000551.4(VHL):c.139G>C (p.Glu47Gln)

Gene: VHL (von Hippel-Lindau tumor suppressor; plus strand). Cytogenetic location: 3p25.3.
Variant type: single nucleotide variant.
Coding change: c.139G>C on transcript NM_000551.4 (MANE Select); coding-DNA position 139, G replaced by C.
Protein change: p.Glu47Gln; replaces glutamic acid 47 with glutamine.
Molecular consequence: missense variant. On other transcripts: non-coding transcript variant (1).
Genome position (GRCh38, 1-based): chr3:10,141,986, G>C. VCF-style: chr3-10141986-G-C. GRCh37 (hg19) VCF-style: chr3-10183670-G-C.
Other names: c.139G>C, p.Glu47Gln (NM_001354723.2, NM_198156.3); short protein forms E47Q.
Identifiers: ClinVar variation 4794815 (VCV004794815.1).

ClinVar aggregate classification (germline): Uncertain significance (1 of 4 stars; one submission).

Conditions:
Chuvash polycythemia. Also called: POLYCYTHEMIA, VHL-DEPENDENT. Identifiers: Orphanet 238557, MedGen C1837915, MONDO:0009892, OMIM 263400.
Von Hippel-Lindau syndrome (VHLS). Also called: von Hippel–Lindau syndrome; VHL syndrome; Von Hippel-Lindau. Identifiers: Orphanet 892, MedGen C0019562, MONDO:0008667, OMIM 193300. Disease mechanism: loss of function.

Submission:

Labcorp Genetics (formerly Invitae), Labcorp
Classification: Uncertain significance for Von Hippel-Lindau syndrome; Chuvash polycythemia. Last evaluated: 2025-03-12. Review status: criteria provided, single submitter. Criteria: Invitae Variant Classification Sherloc (09022015). Collection method: clinical testing. Allele origin: germline.
Comment: This sequence change replaces glutamic acid, which is acidic and polar, with glutamine, which is neutral and polar, at codon 47 of the VHL protein (p.Glu47Gln). This variant is not present in population databases (gnomAD no frequency). This variant has not been reported in the literature in individuals affected with VHL-related conditions. Invitae Evidence Modeling of protein sequence and biophysical properties (such as structural, functional, and spatial information, amino acid conservation, physicochemical variation, residue mobility, and thermodynamic stability) indicates that this missense variant is not expected to disrupt VHL protein function with a negative predictive value of 95%. In summary, the available evidence is currently insufficient to determine the role of this variant in disease. Therefore, it has been classified as a Variant of Uncertain Significance.